The following is an entry in ClinVar:

ClinVar aggregate classification (germline): Likely benign (1 of 4 stars; one submission).

gnomAD v4.1: 3 of 1,614,140 alleles (0.00019%); highest among the groups gnomAD compares: Non-Finnish European, 0.00025%; no homozygotes.

Submission:

CeGaT Center for Human Genetics Tuebingen
Classification: Likely benign. Last evaluated: 2026-03-01. Review status: criteria provided, single submitter. Criteria: CeGaT Center For Human Genetics Tuebingen Variant Classification Criteria Version 2. Collection method: clinical testing. Allele origin: germline. Affected: yes. Observed: 1 variant allele.
Comment: GRIN2A: BP4, BP7

NM_001134407.3(GRIN2A):c.2559C>T (p.Cys853=)

Gene: GRIN2A (glutamate ionotropic receptor NMDA type subunit 2A; minus strand). Cytogenetic location: 16p13.2.
Variant type: single nucleotide variant.
Coding change: c.2559C>T on transcript NM_001134407.3 (MANE Select); coding-DNA position 2559, C replaced by T.
Protein change: p.Cys853=; no amino-acid change (cysteine 853 retained).
Molecular consequence: synonymous variant.
Genome position (GRCh38, 1-based): chr16:9,768,887, G>A on the plus strand (C>T on the coding strand, the complement: GRIN2A is on the minus strand). VCF-style: chr16-9768887-G-A. GRCh37 (hg19) VCF-style: chr16-9862744-G-A.
Other names: c.2559C>T, p.Cys853= (NM_000833.5, NM_001134408.2).
Identifiers: ClinVar variation 4820667 (VCV004820667.4).
Genomic context (GRCh38, chr16:9,768,887, plus strand): 5'-AAAGTAGCCACCCGGTGTACTGACCCTGCTGATGGAGAAGAGCAACCCAGGCCGGTCGGA[G>A]CACACGCCCGTGAAACAGAAGCGCAGCTTCCAGTAGAAGAGGTGCTCCCAGATGAAGGTG-3'
Protein context (NP_001127879.1, residues 843-863): WKLRFCFTGV[Cys853=]SDRPGLLFSI